The following is an entry in ClinVar:

ClinVar aggregate classification (germline): Uncertain significance. Review status: criteria provided, multiple submitters, no conflicts (2 of 4 stars). 3 submissions from 3 submitters: Uncertain significance (3). Last evaluated 2025-06-09.

Conditions:
Autosomal recessive distal spinal muscular atrophy 1. Also called: SEVERE INFANTILE AXONAL NEUROPATHY WITH RESPIRATORY FAILURE; SPINAL MUSCULAR ATROPHY, DIAPHRAGMATIC; Spinal muscular atrophy with respiratory distress 1; HMN VI; NEURONOPATHY, SEVERE INFANTILE AXONAL, WITH RESPIRATORY FAILURE; NEURONOPATHY, DISTAL HEREDITARY MOTOR, HARDING TYPE VI. Identifiers: Orphanet 98920, MedGen C1858517, MONDO:0011436, OMIM 604320.
Charcot-Marie-Tooth disease axonal type 2S. Also called: CHARCOT-MARIE-TOOTH NEUROPATHY, TYPE 2S; CHARCOT-MARIE-TOOTH DISEASE, AXONAL, AUTOSOMAL RECESSIVE, TYPE 2S. Identifiers: Orphanet 443073, MedGen C4015349, MONDO:0014511, OMIM 616155.

Allele frequency attached by ClinVar (database versions not stated): ExAC 0.00002; gnomAD exomes 0.00003 and 0.00005; TOPMed 0.00003; ESP Exome Variant Server 0.00008.

Submissions (3):

Mayo Clinic Laboratories, Mayo Clinic
Classification: Uncertain significance. Last evaluated: 2025-06-09. Review status: criteria provided, single submitter. Criteria: ACMG Guidelines, 2015. Collection method: clinical testing. Allele origin: germline. Observed: 1 variant allele.
Comment: PM2_supporting

Labcorp Genetics (formerly Invitae), Labcorp
Classification: Uncertain significance for Autosomal recessive distal spinal muscular atrophy 1; Charcot-Marie-Tooth disease axonal type 2S. Last evaluated: 2022-08-23. Review status: criteria provided, single submitter. Criteria: Invitae Variant Classification Sherloc (09022015). Collection method: clinical testing. Allele origin: germline.
Comment: This sequence change replaces arginine, which is basic and polar, with tryptophan, which is neutral and slightly polar, at codon 261 of the IGHMBP2 protein (p.Arg261Trp). This variant is present in population databases (rs141836800, gnomAD 0.006%). This variant has not been reported in the literature in individuals affected with IGHMBP2-related conditions. ClinVar contains an entry for this variant (Variation ID: 968869). Advanced modeling of protein sequence and biophysical properties (such as structural, functional, and spatial information, amino acid conservation, physicochemical variation, residue mobility, and thermodynamic stability) performed at Invitae indicates that this missense variant is not expected to disrupt IGHMBP2 protein function. In summary, the available evidence is currently insufficient to determine the role of this variant in disease. Therefore, it has been classified as a Variant of Uncertain Significance.

Revvity Omics, Revvity
Classification: Uncertain significance. Last evaluated: 2019-03-16. Review status: criteria provided, single submitter. Criteria: ACMG Guidelines, 2015. Collection method: clinical testing. Allele origin: germline.

NM_002180.3(IGHMBP2):c.781C>T (p.Arg261Trp)

Gene: IGHMBP2 (immunoglobulin mu DNA binding protein 2; plus strand). Cytogenetic location: 11q13.3.
Variant type: single nucleotide variant.
Coding change: c.781C>T on transcript NM_002180.3 (MANE Select); coding-DNA position 781, C replaced by T.
Protein change: p.Arg261Trp; replaces arginine 261 with tryptophan.
Molecular consequence: missense variant.
Genome position (GRCh38, 1-based): chr11:68,914,892, C>T. VCF-style: chr11-68914892-C-T. GRCh37 (hg19) VCF-style: chr11-68682360-C-T.
Other names: p.Arg261Trp; short protein forms R261W.
Identifiers: ClinVar variation 968869 (VCV000968869.9), dbSNP rs141836800, ClinGen allele CA6153394.
Genomic context (GRCh38, chr11:68,914,892, plus strand): 5'-TGCGCCCCCTCCAACATCGCCGTGGACAATCTGGTGGAGCGCCTGGCTCTGTGTAAGCAG[C>T]GGATTCTGCGCCTGGGACACCCTGCCCGCCTCCTGGAGTCCATTCAGCAGCACTCCCTGG-3'
Protein context (NP_002171.2, residues 251-271): LVERLALCKQ[Arg261Trp]ILRLGHPARL